The following is an entry in ClinVar:

ClinVar aggregate classification (germline): Pathogenic. Review status: criteria provided, multiple submitters, no conflicts (2 of 4 stars). 2 submissions from 2 submitters: Pathogenic (2). Last evaluated 2024-12-19.

Conditions:
Dyslexia, susceptibility to, 1. Also called: READING DISABILITY, SPECIFIC, 1; WORD-BLINDNESS, CONGENITAL. Identifiers: MedGen C1851967, MONDO:0007487, OMIM 127700.

Allele frequency attached by ClinVar (database versions not stated): TOPMed below 0.00001.

Submissions (2):

Genomic Medicine Center of Excellence, King Faisal Specialist Hospital and Research Centre
Classification: Pathogenic for Dyslexia, susceptibility to, 1. Last evaluated: 2024-12-19. Review status: criteria provided, single submitter. Criteria: ACMG Guidelines, 2015. Collection method: clinical testing. Allele origin: germline.

GeneDx
Classification: Pathogenic. Last evaluated: 2022-02-21. Review status: criteria provided, single submitter. Criteria: GeneDx Variant Classification Process June 2021. Collection method: clinical testing. Allele origin: germline. Affected: yes.
Comment: Canonical splice site variant predicted to result in a null allele in a gene for which loss-of-function is a known mechanism of disease; Not observed at significant frequency in large population cohorts (gnomAD); Has not been previously published as pathogenic or benign to our knowledge

NM_130810.4(DNAAF4):c.1153+1G>A

Genes: DNAAF4 (dynein axonemal assembly factor 4; minus strand), DNAAF4-CCPG1 (DNAAF4-CCPG1 readthrough (NMD candidate); minus strand). Cytogenetic location: 15q21.3.
Variant type: single nucleotide variant.
Coding change: c.1153+1G>A on transcript NM_130810.4 (MANE Select); the canonical splice donor site of the intron after coding-DNA position 1153, G replaced by A.
Molecular consequence: splice donor variant. On other transcripts: intron variant (2).
Genome position (GRCh38, 1-based): chr15:55,432,496, C>T on the plus strand (G>A on the coding strand, the complement: DNAAF4 is on the minus strand). VCF-style: chr15-55432496-C-T. GRCh37 (hg19) VCF-style: chr15-55724694-C-T.
Other names: c.1047+2409G>A (NM_001033560.2); c.1048-1717G>A (NM_001033559.3).
Identifiers: ClinVar variation 1342101 (VCV001342101.3), dbSNP rs982697369, ClinGen allele CA270792275.